The following is an entry in ClinVar:

ClinVar aggregate classification (germline): Uncertain significance (1 of 4 stars; one submission).

Allele frequency attached by ClinVar (database versions not stated): TOPMed below 0.00001.
gnomAD v4.1: 2 of 1,578,000 alleles (0.00013%); highest among the groups gnomAD compares: Non-Finnish European, 0.00017%; no homozygotes.

Submission:

Ambry Genetics
Classification: Uncertain significance. Last evaluated: 2024-03-18. Review status: criteria provided, single submitter. Criteria: Ambry Variant Classification Scheme 2023. Collection method: clinical testing. Allele origin: germline.
Comment: The p.D995H variant (also known as c.2983G>C), located in coding exon 16 of the POLQ gene, results from a G to C substitution at nucleotide position 2983. The aspartic acid at codon 995 is replaced by histidine, an amino acid with similar properties. This amino acid position is conserved. In addition, this alteration is predicted to be tolerated by in silico analysis. Since supporting evidence is limited at this time, the clinical significance of this alteration remains unclear.

NM_199420.4(POLQ):c.2983G>C (p.Asp995His)

Gene: POLQ (DNA polymerase theta; minus strand). Cytogenetic location: 3q13.33.
Variant type: single nucleotide variant.
Coding change: c.2983G>C on transcript NM_199420.4 (MANE Select); coding-DNA position 2983, G replaced by C.
Protein change: p.Asp995His; replaces aspartic acid 995 with histidine.
Molecular consequence: missense variant.
Genome position (GRCh38, 1-based): chr3:121,489,948, C>G on the plus strand (G>C on the coding strand, the complement: POLQ is on the minus strand). VCF-style: chr3-121489948-C-G. GRCh37 (hg19) VCF-style: chr3-121208795-C-G.
Other names: short protein forms D995H.
Identifiers: ClinVar variation 1798421 (VCV001798421.2), dbSNP rs2048052165, ClinGen allele CA354103637.